The following is an entry in ClinVar:

ClinVar aggregate classification (germline): Uncertain significance. Review status: criteria provided, multiple submitters, no conflicts (2 of 4 stars). 3 submissions from 3 submitters: Uncertain significance (3). Last evaluated 2025-11-30.

Conditions:
Hereditary cancer-predisposing syndrome. Also called: Tumor predisposition; Hereditary neoplastic syndrome; Hereditary Cancer Syndrome; Neoplastic Syndromes, Hereditary. Identifiers: Orphanet 140162, MedGen C0027672, MeSH D009386, MONDO:0015356.
BAP1-related tumor predisposition syndrome (TPDS1). Also called: Tumor susceptibility linked to germline BAP1 mutations; BAP1 tumor predisposition syndrome; TUMOR PREDISPOSITION SYNDROME 1; COMMON Syndrome. Identifiers: Orphanet 289539, MedGen C3280492, MONDO:0013692, OMIM 614327.

Submissions (3):

Labcorp Genetics (formerly Invitae), Labcorp
Classification: Uncertain significance for BAP1-related tumor predisposition syndrome. Last evaluated: 2025-11-30. Review status: criteria provided, single submitter. Criteria: Invitae Variant Classification Sherloc (09022015). Collection method: clinical testing. Allele origin: germline.
Comment: This sequence change replaces aspartic acid, which is acidic and polar, with glycine, which is neutral and non-polar, at codon 608 of the BAP1 protein (p.Asp608Gly). This variant is not present in population databases (gnomAD no frequency). This variant has not been reported in the literature in individuals affected with BAP1-related conditions. ClinVar contains an entry for this variant (Variation ID: 3224443). Invitae Evidence Modeling of protein sequence and biophysical properties (such as structural, functional, and spatial information, amino acid conservation, physicochemical variation, residue mobility, and thermodynamic stability) indicates that this missense variant is not expected to disrupt BAP1 protein function with a negative predictive value of 80%. In summary, the available evidence is currently insufficient to determine the role of this variant in disease. Therefore, it has been classified as a Variant of Uncertain Significance.

GeneDx
Classification: Uncertain significance. Last evaluated: 2024-10-07. Review status: criteria provided, single submitter. Criteria: GeneDx Variant Classification Process June 2021. Collection method: clinical testing. Allele origin: germline. Affected: yes.
Comment: Not observed at significant frequency in large population cohorts (gnomAD); In silico analysis indicates that this missense variant does not alter protein structure/function; Has not been previously published as pathogenic or benign to our knowledge

Ambry Genetics
Classification: Uncertain significance for Hereditary cancer-predisposing syndrome. Last evaluated: 2022-12-31. Review status: criteria provided, single submitter. Criteria: Ambry Variant Classification Scheme 2023. Collection method: clinical testing. Allele origin: germline.
Comment: The p.D608G variant (also known as c.1823A>G), located in coding exon 14 of the BAP1 gene, results from an A to G substitution at nucleotide position 1823. The aspartic acid at codon 608 is replaced by glycine, an amino acid with similar properties. This amino acid position is conserved. In addition, this alteration is predicted to be tolerated by in silico analysis. Since supporting evidence is limited at this time, the clinical significance of this alteration remains unclear.

NM_004656.4(BAP1):c.1823A>G (p.Asp608Gly)

Gene: BAP1 (BRCA1 associated deubiquitinase 1; minus strand). Cytogenetic location: 3p21.1.
Variant type: single nucleotide variant.
Coding change: c.1823A>G on transcript NM_004656.4 (MANE Select); coding-DNA position 1823, A replaced by G.
Protein change: p.Asp608Gly; replaces aspartic acid 608 with glycine.
Molecular consequence: missense variant.
Genome position (GRCh38, 1-based): chr3:52,403,205, T>C on the plus strand (A>G on the coding strand, the complement: BAP1 is on the minus strand). VCF-style: chr3-52403205-T-C. GRCh37 (hg19) VCF-style: chr3-52437221-T-C.
Other names: c.1769A>G, p.Asp590Gly (NM_001410772.1); c.1823A>G (NM_004656.3); short protein forms D590G, D608G.
Identifiers: ClinVar variation 3224443 (VCV003224443.3), dbSNP rs1391316596, ClinGen allele CA353098478.
Genomic context (GRCh38, chr3:52,403,205, plus strand): 5'-GAGTATTTCTCCCCACTCAAGGGCTCGCCAGGCCTCACCATCCCCGTCTTCTCTCTGCTG[T>C]CCGTGGCTTCCACGACCTCCTTCTCCACTGGGCTGCTGGACCCCTGGCTGCCTTGGATTG-3'
Protein context (NP_004647.1, residues 598-618): PVEKEVVEAT[Asp608Gly]SREKTGMVRP